The following is an entry in ClinVar:

ClinVar aggregate classification (germline): Uncertain significance (1 of 4 stars; one submission).

Conditions:
Inborn genetic diseases. Identifiers: MedGen C0950123, MeSH D030342.

Submission:

Ambry Genetics
Classification: Uncertain significance for Inborn genetic diseases. Last evaluated: 2026-01-23. Review status: criteria provided, single submitter. Criteria: Ambry Variant Classification Scheme 2023. Collection method: clinical testing. Allele origin: germline.
Comment: The p.G117R variant (also known as c.349G>C), located in coding exon 1 of the WT1 gene, results from a G to C substitution at nucleotide position 349. The glycine at codon 117 is replaced by arginine, an amino acid with dissimilar properties. This amino acid position is well conserved in available vertebrate species. In addition, this alteration is predicted to be tolerated by in silico analysis. Based on the available evidence, the clinical significance of this variant remains unclear.

NM_024426.6(WT1):c.364G>C (p.Gly122Arg)

Genes: WT1 (WT1 transcription factor; minus strand), LOC107982234 (WT1/WT1-AS bi-directional promoter region; plus strand). Cytogenetic location: 11p13.
Variant type: single nucleotide variant.
Coding change: c.364G>C on transcript NM_024426.6 (MANE Select); coding-DNA position 364, G replaced by C.
Protein change: p.Gly122Arg; replaces glycine 122 with arginine.
Molecular consequence: missense variant. On other transcripts: non-coding transcript variant (2).
Genome position (GRCh38, 1-based): chr11:32,434,997, C>G on the plus strand (G>C on the coding strand, the complement: WT1 is on the minus strand). VCF-style: chr11-32434997-C-G. GRCh37 (hg19) VCF-style: chr11-32456543-C-G.
Other names: c.364G>C, p.Gly122Arg (NM_000378.6, NM_001407044.1, NM_001407045.1 and 6 more transcripts); c.145G>C, p.Gly49Arg (NM_001429031.1, NM_001429032.1, NM_001429033.1 and 1 more transcripts); short protein forms G117R, G49R, G122R.
Identifiers: ClinVar variation 4825392 (VCV004825392.1).